The following is an entry in ClinVar:

ClinVar aggregate classification (germline): Likely pathogenic (1 of 4 stars; one submission).

Conditions:
Growth hormone insensitivity with immune dysregulation 1, autosomal recessive. Also called: GROWTH HORMONE INSENSITIVITY DUE TO POSTRECEPTOR DEFECT; LARON SYNDROME DUE TO POSTRECEPTOR DEFECT; Laron syndrome with immunodeficiency; GROWTH HORMONE INSENSITIVITY SYNDROME WITH IMMUNE DYSREGULATION 1, AUTOSOMAL RECESSIVE. Identifiers: Orphanet 220465, MedGen C5435698, MONDO:0100211, OMIM 245590.

Allele frequency attached by ClinVar (database versions not stated): gnomAD exomes below 0.00001.
gnomAD v4.1: 1 of 1,612,528 alleles (0.000062%); highest among the groups gnomAD compares: Non-Finnish European, 0.000085%; no homozygotes.

Submission:

Labcorp Genetics (formerly Invitae), Labcorp
Classification: Likely pathogenic for Growth hormone insensitivity with immune dysregulation 1, autosomal recessive. Last evaluated: 2023-01-10. Review status: criteria provided, single submitter. Criteria: Invitae Variant Classification Sherloc (09022015). Collection method: clinical testing. Allele origin: germline.
Comment: Algorithms developed to predict the effect of sequence changes on RNA splicing suggest that this variant may disrupt the consensus splice site. This sequence change affects an acceptor splice site in intron 13 of the STAT5B gene. It is expected to disrupt RNA splicing. Variants that disrupt the donor or acceptor splice site typically lead to a loss of protein function (PMID: 16199547), and loss-of-function variants in STAT5B are known to be pathogenic (PMID: 15827093). This variant is not present in population databases (gnomAD no frequency). This variant has not been reported in the literature in individuals affected with STAT5B-related conditions. In summary, the currently available evidence indicates that the variant is pathogenic, but additional data are needed to prove that conclusively. Therefore, this variant has been classified as Likely Pathogenic.

Literature cited by the submitters: PubMed 16199547; PubMed 15827093.

NM_012448.4(STAT5B):c.1681-2A>G

Gene: STAT5B (signal transducer and activator of transcription 5B; minus strand). Cytogenetic location: 17q21.2.
Variant type: single nucleotide variant.
Coding change: c.1681-2A>G on transcript NM_012448.4 (MANE Select); the canonical splice acceptor site of the intron before coding-DNA position 1681, A replaced by G.
Molecular consequence: splice acceptor variant.
Genome position (GRCh38, 1-based): chr17:42,210,499, T>C on the plus strand (A>G on the coding strand, the complement: STAT5B is on the minus strand). VCF-style: chr17-42210499-T-C. GRCh37 (hg19) VCF-style: chr17-40362517-T-C.
Identifiers: ClinVar variation 2955379 (VCV002955379.3), dbSNP rs1463463495, ClinGen allele CA399578047.
Genomic context (GRCh38, chr17:42,210,499, plus strand): 5'-ACTTCCATCACACCGTCAAACCATTGCCAGAAAGTGTAATTCCGTCCTGGTAAATTCTCC[T>C]GGTTGGAGATACAACAGTGAACATAAGAACACCAGAGTAACACTTGGAATATTATACACA-3'